The following is an entry in ClinVar:

ClinVar aggregate classification (germline): Uncertain significance (1 of 4 stars; one submission).

Conditions:
Charcot-Marie-Tooth disease axonal type 2O. Also called: Charcot-Marie-Tooth Neuropathy Type 2O; CHARCOT-MARIE-TOOTH NEUROPATHY, AXONAL, TYPE 2O; CHARCOT-MARIE-TOOTH DISEASE, AXONAL, AUTOSOMAL DOMINANT, TYPE 2O; Charcot-Marie-Tooth disease, axonal, type 20. Identifiers: Orphanet 284232, MedGen C3280220, MONDO:0013644, OMIM 614228.

Submission:

Labcorp Genetics (formerly Invitae), Labcorp
Classification: Uncertain significance for Charcot-Marie-Tooth disease axonal type 2O. Last evaluated: 2023-05-20. Review status: criteria provided, single submitter. Criteria: Invitae Variant Classification Sherloc (09022015). Collection method: clinical testing. Allele origin: germline.
Comment: This variant has not been reported in the literature in individuals affected with DYNC1H1-related conditions. This sequence change replaces serine, which is neutral and polar, with proline, which is neutral and non-polar, at codon 4241 of the DYNC1H1 protein (p.Ser4241Pro). This variant is not present in population databases (gnomAD no frequency). Advanced modeling of protein sequence and biophysical properties (such as structural, functional, and spatial information, amino acid conservation, physicochemical variation, residue mobility, and thermodynamic stability) performed at Invitae indicates that this missense variant is not expected to disrupt DYNC1H1 protein function. In summary, the available evidence is currently insufficient to determine the role of this variant in disease. Therefore, it has been classified as a Variant of Uncertain Significance.

NM_001376.5(DYNC1H1):c.12721T>C (p.Ser4241Pro)

Gene: DYNC1H1 (dynein cytoplasmic 1 heavy chain 1; plus strand). Cytogenetic location: 14q32.31.
Variant type: single nucleotide variant.
Coding change: c.12721T>C on transcript NM_001376.5 (MANE Select); coding-DNA position 12721, T replaced by C.
Protein change: p.Ser4241Pro; replaces serine 4241 with proline.
Molecular consequence: missense variant.
Genome position (GRCh38, 1-based): chr14:102,044,310, T>C. VCF-style: chr14-102044310-T-C. GRCh37 (hg19) VCF-style: chr14-102510647-T-C.
Other names: short protein forms S4241P.
Identifiers: ClinVar variation 2910439 (VCV002910439.3), dbSNP rs2503867375, ClinGen allele CA391042932.